The following is an entry in ClinVar:

NM_001378454.1(ALMS1):c.3255G>C (p.Gln1085His)

Gene: ALMS1 (ALMS1 centrosome and basal body associated protein; plus strand). Cytogenetic location: 2p13.1.
Variant type: single nucleotide variant.
Coding change: c.3255G>C on transcript NM_001378454.1 (MANE Select); coding-DNA position 3255, G replaced by C.
Protein change: p.Gln1085His; replaces glutamine 1085 with histidine.
Molecular consequence: missense variant.
Genome position (GRCh38, 1-based): chr2:73,449,782, G>C. VCF-style: chr2-73449782-G-C. GRCh37 (hg19) VCF-style: chr2-73676909-G-C.
Other names: c.3258G>C, p.Gln1086His (NM_015120.4); short protein forms Q1086H, Q1085H.
Identifiers: ClinVar variation 551445 (VCV000551445.14), dbSNP rs181507134, ClinGen allele CA1713490.

ClinVar aggregate classification (germline): Uncertain significance. Review status: criteria provided, multiple submitters, no conflicts (2 of 4 stars). 7 submissions from 7 submitters: Uncertain significance (5). 2 of the submissions do not count toward it. Last evaluated 2022-10-26.

Conditions:
Cardiovascular phenotype. Identifiers: MedGen CN230736.
Alstrom syndrome (ALMS). Identifiers: Orphanet 64, MedGen C0268425, MONDO:0008763, OMIM 203800.

Allele frequency attached by ClinVar (database versions not stated): TOPMed 0.00005; gnomAD 0.00006; ESP Exome Variant Server 0.00008.
gnomAD v4.1: 101 of 1,614,022 alleles (0.0063%); highest among the groups gnomAD compares: Non-Finnish European, 0.0083%; no homozygotes.

Submissions (7):

Ambry Genetics
Classification: Uncertain significance for Cardiovascular phenotype. Last evaluated: 2022-10-26. Review status: criteria provided, single submitter. Criteria: Ambry Variant Classification Scheme 2023. Collection method: clinical testing. Allele origin: germline.
Comment: The p.Q1086H variant (also known as c.3258G>C), located in coding exon 8 of the ALMS1 gene, results from a G to C substitution at nucleotide position 3258. The glutamine at codon 1086 is replaced by histidine, an amino acid with highly similar properties. This alteration has been reported in a retinal degeneration cohort (Xu Y et al. Clin Genet, 2016 Apr;89:442-447). This amino acid position is well conserved in available vertebrate species. In addition, this alteration is predicted to be tolerated by in silico analysis. Since supporting evidence is limited at this time, the clinical significance of this alteration remains unclear.

Blueprint Genetics
Classification: Uncertain significance. Last evaluated: 2022-09-26. Review status: criteria provided, single submitter. Criteria: ACMG Guidelines, 2015. Collection method: clinical testing. Allele origin: germline.

Labcorp Genetics (formerly Invitae), Labcorp
Classification: Uncertain significance for Alstrom syndrome. Last evaluated: 2022-07-30. Review status: criteria provided, single submitter. Criteria: Invitae Variant Classification Sherloc (09022015). Collection method: clinical testing. Allele origin: germline.
Comment: This sequence change replaces glutamine, which is neutral and polar, with histidine, which is basic and polar, at codon 1086 of the ALMS1 protein (p.Gln1086His). This variant is present in population databases (rs181507134, gnomAD 0.004%). This variant has not been reported in the literature in individuals affected with ALMS1-related conditions. ClinVar contains an entry for this variant (Variation ID: 551445). Experimental studies and prediction algorithms are not available or were not evaluated, and the functional significance of this variant is currently unknown. In summary, the available evidence is currently insufficient to determine the role of this variant in disease. Therefore, it has been classified as a Variant of Uncertain Significance.

Fulgent Genetics
Classification: Uncertain significance for Alstrom syndrome. Last evaluated: 2021-10-12. Review status: criteria provided, single submitter. Criteria: ACMG Guidelines, 2015. Collection method: clinical testing. Allele origin: unknown.

Baylor Genetics
Classification: Uncertain significance for Alstrom syndrome. Last evaluated: 2019-03-29. Review status: criteria provided, single submitter. Criteria: ACMG Guidelines, 2015. Collection method: clinical testing. Allele origin: unknown. Affected: yes.
Comment: This variant was determined to be of uncertain significance according to ACMG Guidelines, 2015 [PMID:25741868].

Natera, Inc.
Classification: Uncertain significance for Alstrom syndrome. Last evaluated: 2020-12-17. Review status: no assertion criteria provided. Collection method: clinical testing. Allele origin: germline. Not counted in ClinVar's aggregate classification.

Counsyl
Classification: Uncertain significance for Alstrom syndrome. Last evaluated: 2017-04-10. Review status: no assertion criteria provided. Collection method: clinical testing. Allele origin: unknown. Not counted in ClinVar's aggregate classification.

Literature cited by the submitters: PubMed 26010121 (cited by Ambry Genetics and Counsyl).